The following is an entry in ClinVar:

NM_014832.5(TBC1D4):c.498+9G>A

Gene: TBC1D4 (TBC1 domain family member 4; minus strand). Cytogenetic location: 13q22.2.
Variant type: single nucleotide variant.
Coding change: c.498+9G>A on transcript NM_014832.5 (MANE Select); 9 bases into the intron after coding-DNA position 498, G replaced by A.
Molecular consequence: intron variant.
Genome position (GRCh38, 1-based): chr13:75,481,261, C>T on the plus strand (G>A on the coding strand, the complement: TBC1D4 is on the minus strand). VCF-style: chr13-75481261-C-T. GRCh37 (hg19) VCF-style: chr13-76055397-C-T.
Other names: c.498+9G>A (NM_001286659.2, NM_001286658.2, NM_014832.4).
Identifiers: ClinVar variation 130554 (VCV000130554.10), dbSNP rs9573565, ClinGen allele CA214725.

ClinVar aggregate classification (germline): Benign. Review status: criteria provided, multiple submitters, no conflicts (2 of 4 stars). 4 submissions from 4 submitters: Benign (2). 2 of the submissions do not count toward it. Last evaluated 2021-06-19.

Conditions:
TBC1D4-related disorder. Also called: TBC1D4-related condition.

Allele frequency attached by ClinVar (database versions not stated): 1000 Genomes Project 30x 0.19144; 1000 Genomes Project 0.19189; gnomAD 0.22251 and 0.22396; TOPMed 0.22705; gnomAD exomes 0.22735 and 0.25400; ESP Exome Variant Server 0.22766; ExAC 0.23868.

Submissions (4):

GeneDx
Classification: Benign. Last evaluated: 2021-06-19. Review status: criteria provided, single submitter. Criteria: GeneDx Variant Classification Process June 2021. Collection method: clinical testing. Allele origin: germline. Affected: yes.

Breakthrough Genomics
Classification: Benign. Review status: criteria provided, single submitter. Criteria: ACMG Guidelines, 2015. Collection method: not provided. Allele origin: germline. Inheritance: Unknown mechanism. Affected: yes.

PreventionGenetics, part of Exact Sciences
Classification: Benign for TBC1D4-related condition. Last evaluated: 2019-10-23. Review status: no assertion criteria provided. Collection method: clinical testing. Allele origin: germline. Not counted in ClinVar's aggregate classification.
Comment: This variant is classified as benign based on ACMG/AMP sequence variant interpretation guidelines (Richards et al. 2015 PMID: 25741868, with internal and published modifications).

Genetic Services Laboratory, University of Chicago
Classification: Likely benign for AllHighlyPenetrant. Review status: no assertion criteria provided. Collection method: clinical testing. Allele origin: germline. Inheritance: Autosomal dominant inheritance. Not counted in ClinVar's aggregate classification.
Comment: Likely benign based on allele frequency in 1000 Genomes Project or ESP global frequency and its presence in a patient with a rare or unrelated disease phenotype. NOT Sanger confirmed.